The following is an entry in ClinVar:

NM_018474.6(KIZ):c.1016A>G (p.Lys339Arg)

Gene: KIZ (kizuna centrosomal protein; plus strand). Cytogenetic location: 20p11.23.
Variant type: single nucleotide variant.
Coding change: c.1016A>G on transcript NM_018474.6 (MANE Select); coding-DNA position 1016, A replaced by G.
Protein change: p.Lys339Arg; replaces lysine 339 with arginine.
Molecular consequence: missense variant.
Genome position (GRCh38, 1-based): chr20:21,162,481, A>G. VCF-style: chr20-21162481-A-G. GRCh37 (hg19) VCF-style: chr20-21143122-A-G.
Other names: c.707A>G, p.Lys236Arg (NM_001163022.3, NM_001352435.2); c.617A>G, p.Lys206Arg (NM_001163023.3); c.869A>G, p.Lys290Arg (NM_001276389.2); c.1016A>G, p.Lys339Arg (NM_001352434.2); c.674A>G, p.Lys225Arg (NM_001352436.2); short protein forms K236R, K225R, K339R, K206R, K290R.
Identifiers: ClinVar variation 1477812 (VCV001477812.6), dbSNP rs1302494099, ClinGen allele CA408493225.

ClinVar aggregate classification (germline): Uncertain significance (1 of 4 stars; one submission).

Allele frequency attached by ClinVar (database versions not stated): gnomAD exomes below 0.00001; TOPMed below 0.00001; gnomAD 0.00001.
gnomAD v4.1: 2 of 1,612,932 alleles (0.00012%); highest among the groups gnomAD compares: Non-Finnish European, 0.00017%; no homozygotes.

Submission:

Labcorp Genetics (formerly Invitae), Labcorp
Classification: Uncertain significance. Last evaluated: 2021-05-06. Review status: criteria provided, single submitter. Criteria: Invitae Variant Classification Sherloc (09022015). Collection method: clinical testing. Allele origin: germline.
Comment: This sequence change replaces lysine with arginine at codon 339 of the KIZ protein (p.Lys339Arg). The lysine residue is highly conserved and there is a small physicochemical difference between lysine and arginine. This variant is not present in population databases (ExAC no frequency). This variant has not been reported in the literature in individuals with KIZ-related conditions. Experimental studies and prediction algorithms are not available or were not evaluated, and the functional significance of this variant is currently unknown. In summary, the available evidence is currently insufficient to determine the role of this variant in disease. Therefore, it has been classified as a Variant of Uncertain Significance.